The following is an entry in ClinVar:

NM_006662.3(SRCAP):c.8387T>C (p.Met2796Thr)

Gene: SRCAP (Snf2 related CREBBP activator protein; plus strand). Cytogenetic location: 16p11.2.
Variant type: single nucleotide variant.
Coding change: c.8387T>C on transcript NM_006662.3 (MANE Select); coding-DNA position 8387, T replaced by C.
Protein change: p.Met2796Thr; replaces methionine 2796 with threonine.
Molecular consequence: missense variant.
Genome position (GRCh38, 1-based): chr16:30,738,427, T>C. VCF-style: chr16-30738427-T-C. GRCh37 (hg19) VCF-style: chr16-30749748-T-C.
Other names: c.8387T>C (NM_006662.2); short protein forms M2796T.
Identifiers: ClinVar variation 1529702 (VCV001529702.29), dbSNP rs143103128, ClinGen allele CA8012685.

ClinVar aggregate classification (germline): Likely benign. Review status: criteria provided, multiple submitters, no conflicts (2 of 4 stars). 6 submissions from 6 submitters: Likely benign (5). 1 of the submissions does not count toward it. Last evaluated 2025-10-07.

Conditions:
SRCAP-related disorder. Also called: SRCAP-related condition.
Floating-Harbor syndrome (FLHS). Also called: SRCAP-Related Floating-Harbor Syndrome; Short stature with delayed bone age, expressive language delay, a triangular face with a prominent nose and deep-set eyes; Pelletier-Leisti syndrome. Identifiers: Orphanet 2044, MedGen C0729582, MONDO:0007621, OMIM 136140.
Developmental delay, hypotonia, musculoskeletal defects, and behavioral abnormalities. Identifiers: MedGen C5562012, MONDO:0859202, OMIM 619595.
Inborn genetic diseases. Identifiers: MedGen C0950123, MeSH D030342.

Allele frequency attached by ClinVar (database versions not stated): 1000 Genomes Project 30x 0.00016; gnomAD 0.00017 and 0.00025; TOPMed 0.00017; 1000 Genomes Project 0.00020; ExAC 0.00031; ESP Exome Variant Server 0.00031; gnomAD exomes 0.00036 and 0.00038.
gnomAD v4.1: 560 of 1,553,252 alleles (0.036%); highest among the groups gnomAD compares: South Asian, 0.26%; 2 homozygotes.

Submissions (6):

Labcorp Genetics (formerly Invitae), Labcorp
Classification: Likely benign. Last evaluated: 2025-10-07. Review status: criteria provided, single submitter. Criteria: Invitae Variant Classification Sherloc (09022015). Collection method: clinical testing. Allele origin: germline.

Ambry Genetics
Classification: Likely benign for Inborn genetic diseases. Last evaluated: 2025-06-17. Review status: criteria provided, single submitter. Criteria: Ambry Variant Classification Scheme 2023. Collection method: clinical testing. Allele origin: germline.

CeGaT Center for Human Genetics Tuebingen
Classification: Likely benign. Last evaluated: 2024-07-01. Review status: criteria provided, single submitter. Criteria: CeGaT Center For Human Genetics Tuebingen Variant Classification Criteria Version 2. Collection method: clinical testing. Allele origin: germline. Affected: yes. Observed: 1 variant allele.
Comment: SRCAP: BP4, BS1

Fulgent Genetics
Classification: Likely benign for Floating-Harbor syndrome; Developmental delay, hypotonia, musculoskeletal defects, and behavioral abnormalities. Last evaluated: 2021-11-14. Review status: criteria provided, single submitter. Criteria: ACMG Guidelines, 2015. Collection method: clinical testing. Allele origin: unknown.

Breakthrough Genomics
Classification: Likely benign. Review status: criteria provided, single submitter. Criteria: ACMG Guidelines, 2015. Collection method: not provided. Allele origin: germline. Inheritance: Autosomal dominant inheritance. Affected: yes.

PreventionGenetics, part of Exact Sciences
Classification: Likely benign for SRCAP-related condition. Last evaluated: 2020-08-21. Review status: no assertion criteria provided. Collection method: clinical testing. Allele origin: germline. Not counted in ClinVar's aggregate classification.
Comment: This variant is classified as likely benign based on ACMG/AMP sequence variant interpretation guidelines (Richards et al. 2015 PMID: 25741868, with internal and published modifications).